The following is an entry in ClinVar:

NM_001244008.2(KIF1A):c.694G>A (p.Ala232Thr)

Gene: KIF1A (kinesin family member 1A; minus strand). Cytogenetic location: 2q37.3.
Variant type: single nucleotide variant.
Coding change: c.694G>A on transcript NM_001244008.2 (MANE Select); coding-DNA position 694, G replaced by A.
Protein change: p.Ala232Thr; replaces alanine 232 with threonine.
Molecular consequence: missense variant.
Genome position (GRCh38, 1-based): chr2:240,785,015, C>T on the plus strand (G>A on the coding strand, the complement: KIF1A is on the minus strand). VCF-style: chr2-240785015-C-T. GRCh37 (hg19) VCF-style: chr2-241724432-C-T.
Other names: c.694G>A (NM_004321.6); c.694G>A, p.Ala232Thr (NM_001320705.2, NM_001330289.2, NM_001330290.2 and 20 more transcripts); short protein forms A232T.
Identifiers: ClinVar variation 1063557 (VCV001063557.10), dbSNP rs1358119741, ClinGen allele CA351304537.
Genomic context (GRCh38, chr2:240,785,015, plus strand): 5'-CTTGGTGGCACCGCCTGTGAGGCCACTCACTCACCTTCTCCGTGGTGATATTGGTCTCTG[C>T]GTCATGGCGCTTCTGGGTGAAGATGATGTTGAAGACGGCGTGGGAGCGACTGCTGGTCTC-3'
Protein context (NP_001230937.1, residues 222-242): NIIFTQKRHD[Ala232Thr]ETNITTEKVS

ClinVar aggregate classification (germline): Uncertain significance. Review status: criteria provided, multiple submitters, no conflicts (2 of 4 stars). 2 submissions from 2 submitters: Uncertain significance (2). Last evaluated 2026-02-02.

Conditions:
Neuropathy, hereditary sensory, type 2C. Also called: Hereditary sensory and autonomic neuropathy type IIC; KIF1A-Related HSAN2 (HSAN2C). Identifiers: Orphanet 970, MedGen C3280168, MONDO:0013634, OMIM 614213.
Intellectual disability, autosomal dominant 9 (NESCAVS). Also called: KIF1A-Related Neurodevelopmental Disorder; NESCAV SYNDROME. Identifiers: Orphanet 662367, MedGen C5393830, MONDO:0013656, OMIM 614255.
Hereditary spastic paraplegia 30. Identifiers: Orphanet 101010, MedGen C5235139, MONDO:0012476.

Allele frequency attached by ClinVar (database versions not stated): TOPMed below 0.00001; gnomAD 0.00001; gnomAD exomes 0.00002.
gnomAD v4.1: 38 of 1,613,418 alleles (0.0024%); highest among the groups gnomAD compares: African/African-American, 0.0027%; no homozygotes.

Submissions (2):

Labcorp Genetics (formerly Invitae), Labcorp
Classification: Uncertain significance for Hereditary spastic paraplegia 30; Neuropathy, hereditary sensory, type 2C; Intellectual disability, autosomal dominant 9. Last evaluated: 2026-02-02. Review status: criteria provided, single submitter. Criteria: Invitae Variant Classification Sherloc (09022015). Collection method: clinical testing. Allele origin: germline.
Comment: This sequence change replaces alanine, which is neutral and non-polar, with threonine, which is neutral and polar, at codon 232 of the KIF1A protein (p.Ala232Thr). This variant is present in population databases (no rsID available, gnomAD 0.009%). This missense change has been observed in individual(s) with hypertonia (PMID: 37541188). ClinVar contains an entry for this variant (Variation ID: 1063557). Invitae Evidence Modeling of protein sequence and biophysical properties (such as structural, functional, and spatial information, amino acid conservation, physicochemical variation, residue mobility, and thermodynamic stability) indicates that this missense variant is expected to disrupt KIF1A protein function with a positive predictive value of 95%. In summary, the available evidence is currently insufficient to determine the role of this variant in disease. Therefore, it has been classified as a Variant of Uncertain Significance.

GeneDx
Classification: Uncertain significance. Last evaluated: 2025-08-05. Review status: criteria provided, single submitter. Criteria: GeneDx Variant Classification Process June 2021. Collection method: clinical testing. Allele origin: germline. Affected: yes.
Comment: Reported previously as a variant of uncertain significance in a cohort of patients with early-onset small fiber neuropathy; however, no further clinical information was provided and the patient also harbored a variant in a different gene (PMID: 39000354); Reported previously as a heterozygous variant of uncertain significance in a patient with hypertonia; however, the patient also harbored a pathogenic variant in NIPA1 that was thought to explain the symptoms (PMID: 37541188); In silico analysis suggests that this missense variant does not alter protein structure/function; This variant is associated with the following publications: (PMID: 37541188, 39000354, 26125038, 21820098, 21376300)

Literature cited by the submitters: PubMed 37541188 (cited by Labcorp Genetics (formerly Invitae), Labcorp).